The following is an entry in ClinVar:

ClinVar aggregate classification (germline): Likely benign. Review status: criteria provided, single submitter (1 of 4 stars). 2 submissions from 2 submitters: Likely benign (1). 1 of the submissions does not count toward it. Last evaluated 2022-03-02.

Conditions:
PDE6B-related disorder. Also called: PDE6B-related disease; PDE6B-related condition; PDE6B-related disorders.

Allele frequency attached by ClinVar (database versions not stated): ExAC 0.00001; gnomAD 0.00001; gnomAD exomes 0.00001; TOPMed 0.00001.
gnomAD v4.1: 19 of 1,613,668 alleles (0.0012%); highest among the groups gnomAD compares: African/African-American, 0.0027%; no homozygotes.

Submissions (2):

Labcorp Genetics (formerly Invitae), Labcorp
Classification: Likely benign. Last evaluated: 2022-03-02. Review status: criteria provided, single submitter. Criteria: Invitae Variant Classification Sherloc (09022015). Collection method: clinical testing. Allele origin: germline.

PreventionGenetics, part of Exact Sciences
Classification: Likely benign for PDE6B-related condition. Last evaluated: 2020-07-29. Review status: no assertion criteria provided. Collection method: clinical testing. Allele origin: germline. Not counted in ClinVar's aggregate classification.
Comment: This variant is classified as likely benign based on ACMG/AMP sequence variant interpretation guidelines (Richards et al. 2015 PMID: 25741868, with internal and published modifications).

NM_000283.4(PDE6B):c.759C>T (p.Ile253=)

Genes: PDE6B (phosphodiesterase 6B; plus strand), PDE6B-AS1 (PDE6B antisense RNA 1; minus strand). Cytogenetic location: 4p16.3.
Variant type: single nucleotide variant.
Coding change: c.759C>T on transcript NM_000283.4 (MANE Select); coding-DNA position 759, C replaced by T.
Protein change: p.Ile253=; no amino-acid change (isoleucine 253 retained).
Molecular consequence: synonymous variant. On other transcripts: 5 prime UTR variant (5).
Genome position (GRCh38, 1-based): chr4:653,899, C>T. VCF-style: chr4-653899-C-T. GRCh37 (hg19) VCF-style: chr4-647688-C-T.
Other names: c.759C>T, p.Ile253= (NM_001145291.2); c.-79C>T (NM_001145292.2, NM_001350154.3, NM_001379246.1 and 1 more transcripts); c.-282C>T (NM_001350155.3); c.759C>T (NM_000283.3).
Identifiers: ClinVar variation 1561698 (VCV001561698.10), dbSNP rs776166987, ClinGen allele CA2794111.